The following is an entry in ClinVar:

NM_000051.4(ATM):c.3787A>G (p.Ser1263Gly)

Gene: ATM (ATM serine/threonine kinase; plus strand). Cytogenetic location: 11q22.3.
Variant type: single nucleotide variant.
Coding change: c.3787A>G on transcript NM_000051.4 (MANE Select); coding-DNA position 3787, A replaced by G.
Protein change: p.Ser1263Gly; replaces serine 1263 with glycine.
Molecular consequence: missense variant.
Genome position (GRCh38, 1-based): chr11:108,284,267, A>G. VCF-style: chr11-108284267-A-G. GRCh37 (hg19) VCF-style: chr11-108154994-A-G.
Other names: c.3787A>G, p.Ser1263Gly (NM_001351834.2); short protein forms S1263G.
Identifiers: ClinVar variation 569124 (VCV000569124.18), dbSNP rs1276194109, ClinGen allele CA382524568.

ClinVar aggregate classification (germline): Uncertain significance. Review status: criteria provided, multiple submitters, no conflicts (2 of 4 stars). 4 submissions from 4 submitters: Uncertain significance (3). 1 of the submissions does not count toward it. Last evaluated 2025-12-29.

Conditions:
Ataxia-telangiectasia syndrome (AT). Also called: AT, COMPLEMENTATION GROUP C; Cerebello-oculocutaneous telangiectasia; Immunodeficiency with ataxia telangiectasia; Ataxia-telangiectasia, complementation group D; ATAXIA-TELANGIECTASIA, FRESNO VARIANT; Ataxia-telangiectasia, complementation group E. Identifiers: Orphanet 100, MedGen C0004135, MONDO:0008840, OMIM 208900.
Hereditary cancer-predisposing syndrome. Also called: Hereditary neoplastic syndrome; Neoplastic Syndromes, Hereditary; Hereditary Cancer Syndrome; Tumor predisposition. Identifiers: Orphanet 140162, MedGen C0027672, MeSH D009386, MONDO:0015356.

Allele frequency attached by ClinVar (database versions not stated): gnomAD exomes below 0.00001.
gnomAD v4.1: 4 of 1,612,872 alleles (0.00025%); highest among the groups gnomAD compares: Admixed American, 0.0017%; no homozygotes.

Submissions (4):

Center for Genomic Medicine, Rigshospitalet, Copenhagen University Hospital
Classification: Uncertain significance. Last evaluated: 2025-12-29. Review status: criteria provided, single submitter. Criteria: ACMG Guidelines, 2015. Collection method: clinical testing. Allele origin: germline.
Comment: Classification criteria: BP4

Labcorp Genetics (formerly Invitae), Labcorp
Classification: Uncertain significance for Ataxia-telangiectasia syndrome. Last evaluated: 2024-06-05. Review status: criteria provided, single submitter. Criteria: Invitae Variant Classification Sherloc (09022015). Collection method: clinical testing. Allele origin: germline.
Comment: This sequence change replaces serine, which is neutral and polar, with glycine, which is neutral and non-polar, at codon 1263 of the ATM protein (p.Ser1263Gly). This variant is present in population databases (no rsID available, gnomAD 0.003%). This variant has not been reported in the literature in individuals affected with ATM-related conditions. ClinVar contains an entry for this variant (Variation ID: 569124). Algorithms developed to predict the effect of missense changes on protein structure and function output the following: SIFT: "Not Available"; PolyPhen-2: "Benign"; Align-GVGD: "Not Available". The glycine amino acid residue is found in multiple mammalian species, which suggests that this missense change does not adversely affect protein function. In summary, the available evidence is currently insufficient to determine the role of this variant in disease. Therefore, it has been classified as a Variant of Uncertain Significance.

Ambry Genetics
Classification: Uncertain significance for Hereditary cancer-predisposing syndrome. Last evaluated: 2023-02-25. Review status: criteria provided, single submitter. Criteria: Ambry Variant Classification Scheme 2023. Collection method: clinical testing. Allele origin: germline.
Comment: The p.S1263G variant (also known as c.3787A>G), located in coding exon 25 of the ATM gene, results from an A to G substitution at nucleotide position 3787. The serine at codon 1263 is replaced by glycine, an amino acid with similar properties. This amino acid position is not well conserved in available vertebrate species. In addition, this alteration is predicted to be tolerated by in silico analysis. Since supporting evidence is limited at this time, the clinical significance of this alteration remains unclear.

Natera, Inc.
Classification: Uncertain significance for Ataxia-telangiectasia. Last evaluated: 2021-06-29. Review status: no assertion criteria provided. Collection method: clinical testing. Allele origin: germline. Not counted in ClinVar's aggregate classification.